The following is an entry in ClinVar:

NM_014795.4(ZEB2):c.1714A>C (p.Ile572Leu)

Gene: ZEB2 (zinc finger E-box binding homeobox 2; minus strand). Cytogenetic location: 2q22.3.
Variant type: single nucleotide variant.
Coding change: c.1714A>C on transcript NM_014795.4 (MANE Select); coding-DNA position 1714, A replaced by C.
Protein change: p.Ile572Leu; replaces isoleucine 572 with leucine.
Molecular consequence: missense variant.
Genome position (GRCh38, 1-based): chr2:144,399,473, T>G on the plus strand (A>C on the coding strand, the complement: ZEB2 is on the minus strand). VCF-style: chr2-144399473-T-G. GRCh37 (hg19) VCF-style: chr2-145157040-T-G.
Other names: c.1642A>C, p.Ile548Leu (NM_001171653.2); short protein forms I548L, I572L.
Identifiers: ClinVar variation 957425 (VCV000957425.9), dbSNP rs770555715, ClinGen allele CA348710357.

ClinVar aggregate classification (germline): Uncertain significance (1 of 4 stars; one submission).

Conditions:
Mowat-Wilson syndrome (MOWS). Also called: Classic Mowat-Wilson Syndrome. Identifiers: Orphanet 2152, MedGen C1856113, MONDO:0009341, OMIM 235730.

Submission:

Labcorp Genetics (formerly Invitae), Labcorp
Classification: Uncertain significance for Mowat-Wilson syndrome. Last evaluated: 2019-08-20. Review status: criteria provided, single submitter. Criteria: Invitae Variant Classification Sherloc (09022015). Collection method: clinical testing. Allele origin: germline.
Comment: This sequence change replaces isoleucine with leucine at codon 572 of the ZEB2 protein (p.Ile572Leu). The isoleucine residue is moderately conserved and there is a small physicochemical difference between isoleucine and leucine. This variant is not present in population databases (ExAC no frequency). This variant has not been reported in the literature in individuals with ZEB2-related conditions. Algorithms developed to predict the effect of missense changes on protein structure and function (SIFT, PolyPhen-2, Align-GVGD) all suggest that this variant is likely to be tolerated, but these predictions have not been confirmed by published functional studies and their clinical significance is uncertain. In summary, the available evidence is currently insufficient to determine the role of this variant in disease. Therefore, it has been classified as a Variant of Uncertain Significance.